The following is an entry in ClinVar:

ClinVar aggregate classification (germline): Uncertain significance (1 of 4 stars; one submission).

Allele frequency attached by ClinVar (database versions not stated): TOPMed below 0.00001; gnomAD 0.00001; gnomAD exomes 0.00002; ExAC 0.00008.

Submission:

Labcorp Genetics (formerly Invitae), Labcorp
Classification: Uncertain significance. Last evaluated: 2024-10-16. Review status: criteria provided, single submitter. Criteria: Invitae Variant Classification Sherloc (09022015). Collection method: clinical testing. Allele origin: germline.
Comment: This sequence change replaces arginine with cysteine at codon 202 of the AMH protein (p.Arg202Cys). The arginine residue is weakly conserved and there is a large physicochemical difference between arginine and cysteine. The frequency data for this variant in the population databases is considered unreliable, as metrics indicate poor data quality at this position in the gnomAD database. This variant has not been reported in the literature in individuals affected with AMH-related conditions. ClinVar contains an entry for this variant (Variation ID: 1355108). An algorithm developed to predict the effect of missense changes on protein structure and function (PolyPhen-2) suggests that this variant is likely to be tolerated. In summary, the available evidence is currently insufficient to determine the role of this variant in disease. Therefore, it has been classified as a Variant of Uncertain Significance.

NM_000479.5(AMH):c.604C>T (p.Arg202Cys)

Genes: AMH (anti-Mullerian hormone; plus strand), MIR4321 (microRNA 4321; plus strand), LOC130063038 (ATAC-STARR-seq lymphoblastoid silent region 9776; plus strand). Cytogenetic location: 19p13.3.
Variant type: single nucleotide variant.
Coding change: c.604C>T on transcript NM_000479.5 (MANE Select); coding-DNA position 604, C replaced by T.
Protein change: p.Arg202Cys; replaces arginine 202 with cysteine.
Molecular consequence: missense variant. On other transcripts: non-coding transcript variant (1).
Genome position (GRCh38, 1-based): chr19:2,250,700, C>T. VCF-style: chr19-2250700-C-T. GRCh37 (hg19) VCF-style: chr19-2250699-C-T.
Other names: short protein forms R202C.
Identifiers: ClinVar variation 1355108 (VCV001355108.6), dbSNP rs752186483, ClinGen allele CA9062923.
Genomic context (GRCh38, chr19:2,250,700, plus strand): 5'-TGGTCTCCGCAGAGCCTCTGCCCCTCCCGAGACACCCGCTACCTGGTGTTAGCGGTGGAC[C>T]GCCCTGCGGGGGCCTGGCGCGGCTCCGGGCTGGCCTTGACCCTGCAGCCCCGCGGAGAGG-3'
Protein context (NP_000470.3, residues 192-212): DTRYLVLAVD[Arg202Cys]PAGAWRGSGL